The following is an entry in ClinVar:

NM_017763.6(RNF43):c.2286C>G (p.Cys762Trp)

Gene: RNF43 (ring finger protein 43; minus strand). Cytogenetic location: 17q22.
Variant type: single nucleotide variant.
Coding change: c.2286C>G on transcript NM_017763.6 (MANE Select); coding-DNA position 2286, C replaced by G.
Protein change: p.Cys762Trp; replaces cysteine 762 with tryptophan.
Molecular consequence: missense variant.
Genome position (GRCh38, 1-based): chr17:58,357,490, G>C on the plus strand (C>G on the coding strand, the complement: RNF43 is on the minus strand). VCF-style: chr17-58357490-G-C. GRCh37 (hg19) VCF-style: chr17-56434851-G-C.
Other names: c.2286C>G, p.Cys762Trp (NM_001305544.3); c.1905C>G, p.Cys635Trp (NM_001305545.2); short protein forms C635W, C762W.
Identifiers: ClinVar variation 1513778 (VCV001513778.10), dbSNP rs564215300, ClinGen allele CA8673037.

ClinVar aggregate classification (germline): Uncertain significance. Review status: criteria provided, multiple submitters, no conflicts (2 of 4 stars). 5 submissions from 5 submitters: Uncertain significance (5). Last evaluated 2025-03-28.

Allele frequency attached by ClinVar (database versions not stated): TOPMed 0.00001.
gnomAD v4.1: 22 of 1,614,220 alleles (0.0014%); highest among the groups gnomAD compares: Non-Finnish European, 0.0017%; no homozygotes.

Submissions (5):

GeneDx
Classification: Uncertain significance. Last evaluated: 2025-03-28. Review status: criteria provided, single submitter. Criteria: GeneDx Variant Classification Process June 2021. Collection method: clinical testing. Allele origin: germline.
Comment: Not observed at significant frequency in large population cohorts (gnomAD); In silico analysis supports that this missense variant has a deleterious effect on protein structure/function; Has not been previously published as pathogenic or benign to our knowledge

Center for Genomic Medicine, Rigshospitalet, Copenhagen University Hospital
Classification: Uncertain significance. Last evaluated: 2025-03-04. Review status: criteria provided, single submitter. Criteria: ACMG Guidelines, 2015. Collection method: clinical testing. Allele origin: germline.

Ambry Genetics
Classification: Uncertain significance. Last evaluated: 2024-11-28. Review status: criteria provided, single submitter. Criteria: Ambry Variant Classification Scheme 2023. Collection method: clinical testing. Allele origin: germline.
Comment: The p.C762W variant (also known as c.2286C>G), located in coding exon 8 of the RNF43 gene, results from a C to G substitution at nucleotide position 2286. The cysteine at codon 762 is replaced by tryptophan, an amino acid with highly dissimilar properties. This amino acid position is conserved. In addition, the in silico prediction for this alteration is inconclusive. Based on the available evidence, the clinical significance of this variant remains unclear.

Blueprint Genetics
Classification: Uncertain significance. Last evaluated: 2024-11-05. Review status: criteria provided, single submitter. Criteria: ACMG Guidelines, 2015. Collection method: clinical testing. Allele origin: germline.

Labcorp Genetics (formerly Invitae), Labcorp
Classification: Uncertain significance. Last evaluated: 2021-08-06. Review status: criteria provided, single submitter. Criteria: Invitae Variant Classification Sherloc (09022015). Collection method: clinical testing. Allele origin: germline.
Comment: This sequence change replaces cysteine with tryptophan at codon 762 of the RNF43 protein (p.Cys762Trp). The cysteine residue is moderately conserved and there is a large physicochemical difference between cysteine and tryptophan. In summary, the available evidence is currently insufficient to determine the role of this variant in disease. Therefore, it has been classified as a Variant of Uncertain Significance. Algorithms developed to predict the effect of missense changes on protein structure and function are either unavailable or do not agree on the potential impact of this missense change (SIFT: "Tolerated"; PolyPhen-2: "Probably Damaging"; Align-GVGD: "Class C0"). This variant has not been reported in the literature in individuals affected with RNF43-related conditions. This variant is present in population databases (rs564215300, ExAC 0.001%).